The following is an entry in ClinVar:

ClinVar aggregate classification (germline): Uncertain significance (1 of 4 stars; one submission).

Submission:

GeneDx
Classification: Uncertain significance. Last evaluated: 2025-04-14. Review status: criteria provided, single submitter. Criteria: GeneDx Variant Classification Process June 2021. Collection method: clinical testing. Allele origin: germline. Affected: yes.
Comment: Not observed at significant frequency in large population cohorts (gnomAD); In silico analysis supports that this missense variant has a deleterious effect on protein structure/function; Has not been previously published as pathogenic or benign to our knowledge

NM_001323289.2(CDKL5):c.746T>G (p.Phe249Cys)

Gene: CDKL5 (cyclin dependent kinase like 5; plus strand). Cytogenetic location: Xp22.13.
Variant type: single nucleotide variant.
Coding change: c.746T>G on transcript NM_001323289.2 (MANE Select); coding-DNA position 746, T replaced by G.
Protein change: p.Phe249Cys; replaces phenylalanine 249 with cysteine.
Molecular consequence: missense variant.
Genome position (GRCh38, 1-based): chrX:18,595,349, T>G. VCF-style: chrX-18595349-T-G. GRCh37 (hg19) VCF-style: chrX-18613469-T-G.
Other names: c.746T>G, p.Phe249Cys (NM_001037343.2, NM_003159.3); short protein forms F249C.
Identifiers: ClinVar variation 4281887 (VCV004281887.1).